The following is an entry in ClinVar:

ClinVar aggregate classification (germline): Uncertain significance (1 of 4 stars; one submission).

Submission:

GeneDx
Classification: Uncertain significance. Last evaluated: 2025-06-29. Review status: criteria provided, single submitter. Criteria: GeneDx Variant Classification Process June 2021. Collection method: clinical testing. Allele origin: germline. Affected: yes.
Comment: Not observed at significant frequency in large population cohorts (gnomAD); In silico analysis supports that this missense variant has a deleterious effect on protein structure/function; Has not been previously published as pathogenic or benign to our knowledge

NM_000432.4(MYL2):c.25A>G (p.Arg9Gly)

Genes: MYL2 (myosin light chain 2; minus strand), LOC114827850 (VISTA enhancer hs2149; plus strand). Cytogenetic location: 12q24.11.
Variant type: single nucleotide variant.
Coding change: c.25A>G on transcript NM_000432.4 (MANE Select); coding-DNA position 25, A replaced by G.
Protein change: p.Arg9Gly; replaces arginine 9 with glycine.
Molecular consequence: missense variant. On other transcripts: 5 prime UTR variant (1).
Genome position (GRCh38, 1-based): chr12:110,919,172, T>C on the plus strand (A>G on the coding strand, the complement: MYL2 is on the minus strand). VCF-style: chr12-110919172-T-C. GRCh37 (hg19) VCF-style: chr12-111356976-T-C.
Other names: c.25A>G, p.Arg9Gly (NM_001406745.1); c.-33A>G (NM_001406916.1); short protein forms R9G.
Identifiers: ClinVar variation 4540335 (VCV004540335.1).
Genomic context (GRCh38, chr12:110,919,172, plus strand): 5'-ATTCCTGGATTTGGGTCTGTTCGAACATGGAGAACACGTTGGAGTTGGCGCCCCCGGCTC[T>C]CTTCTTTGCTTTCTTAGGTGCCTGGGGGAAAAAAGCATCGATTAAAAGAGTGAGAGGCTG-3'
Protein context (NP_000423.2, residues 1-19): MAPKKAKK[Arg9Gly]AGGANSNVFS